The following is an entry in ClinVar:

NM_001277115.2(DNAH11):c.12369C>A (p.Tyr4123Ter)

Gene: DNAH11 (dynein axonemal heavy chain 11; plus strand). Cytogenetic location: 7p15.3.
Variant type: single nucleotide variant.
Coding change: c.12369C>A on transcript NM_001277115.2 (MANE Select); coding-DNA position 12369, C replaced by A.
Protein change: p.Tyr4123Ter; replaces tyrosine 4123 with a stop codon.
Molecular consequence: nonsense.
Genome position (GRCh38, 1-based): chr7:21,880,875, C>A. VCF-style: chr7-21880875-C-A. GRCh37 (hg19) VCF-style: chr7-21920493-C-A.
Other names: short protein forms Y4123*.
Identifiers: ClinVar variation 3645380 (VCV003645380.2).

ClinVar aggregate classification (germline): Pathogenic (1 of 4 stars; one submission).

Conditions:
Primary ciliary dyskinesia. Also called: Ciliary dyskinesia. Identifiers: Orphanet 244, MedGen C0008780, MONDO:0016575, HP:0012265.

Submission:

Labcorp Genetics (formerly Invitae), Labcorp
Classification: Pathogenic for Primary ciliary dyskinesia. Last evaluated: 2024-03-11. Review status: criteria provided, single submitter. Criteria: Invitae Variant Classification Sherloc (09022015). Collection method: clinical testing. Allele origin: germline.
Comment: This sequence change creates a premature translational stop signal (p.Tyr4123*) in the DNAH11 gene. It is expected to result in an absent or disrupted protein product. Loss-of-function variants in DNAH11 are known to be pathogenic (PMID: 18022865, 20513915, 22184204). This variant is not present in population databases (gnomAD no frequency). This variant has not been reported in the literature in individuals affected with DNAH11-related conditions. For these reasons, this variant has been classified as Pathogenic.

Literature cited by the submitters: PubMed 18022865; PubMed 20513915; PubMed 22184204.